The following is an entry in ClinVar:

ClinVar aggregate classification (germline): Uncertain significance. Review status: criteria provided, multiple submitters, no conflicts (2 of 4 stars). 2 submissions from 2 submitters: Uncertain significance (2). Last evaluated 2023-11-27.

Conditions:
Catecholaminergic polymorphic ventricular tachycardia 1. Also called: VENTRICULAR TACHYCARDIA, CATECHOLAMINERGIC POLYMORPHIC, 1, WITH OR WITHOUT ATRIAL DYSFUNCTION AND/OR DILATED CARDIOMYOPATHY; VENTRICULAR TACHYCARDIA, STRESS-INDUCED POLYMORPHIC 1; RYR2-Related Catecholaminergic Polymorphic Ventricular Tachycardia. Identifiers: Orphanet 3286, MedGen C1631597, MONDO:0011484, OMIM 604772.
Cardiomyopathy (CMYO). Also called: Cardiomyopathies. Identifiers: Orphanet 167848, MedGen C0878544, MONDO:0004994, HP:0001638. Inheritance: Various modes of inheritance.

Submissions (2):

Color Diagnostics, LLC DBA Color Health
Classification: Uncertain significance for Cardiomyopathy. Last evaluated: 2023-11-27. Review status: criteria provided, single submitter. Criteria: ACMG Guidelines, 2015. Collection method: clinical testing. Allele origin: germline.
Comment: This missense variant replaces threonine with serine at codon 1297 of the RYR2 protein. Computational prediction tool indicates that this variant may have a neutral impact on protein structure and function. To our knowledge, functional studies have not been reported for this variant. This variant has not been reported in individuals affected with RYR2-related disorders in the literature. This variant has not been identified in the general population by the Genome Aggregation Database (gnomAD). The available evidence is insufficient to determine the role of this variant in disease conclusively. Therefore, this variant is classified as a Variant of Uncertain Significance.

Labcorp Genetics (formerly Invitae), Labcorp
Classification: Uncertain significance for Catecholaminergic polymorphic ventricular tachycardia 1. Last evaluated: 2021-02-21. Review status: criteria provided, single submitter. Criteria: Invitae Variant Classification Sherloc (09022015). Collection method: clinical testing. Allele origin: germline.
Comment: In summary, the available evidence is currently insufficient to determine the role of this variant in disease. Therefore, it has been classified as a Variant of Uncertain Significance. Algorithms developed to predict the effect of missense changes on protein structure and function are either unavailable or do not agree on the potential impact of this missense change (SIFT: "Deleterious"; PolyPhen-2: "Benign"; Align-GVGD: "Class C55"). This variant has not been reported in the literature in individuals with RYR2-related conditions. This variant is not present in population databases (ExAC no frequency). This sequence change replaces threonine with serine at codon 1297 of the RYR2 protein (p.Thr1297Ser). The threonine residue is highly conserved and there is a small physicochemical difference between threonine and serine.

NM_001035.3(RYR2):c.3890C>G (p.Thr1297Ser)

Genes: RYR2 (ryanodine receptor 2; plus strand), LOC126806067 (BRD4-independent group 4 enhancer GRCh37_chr1:237753258-237754457; plus strand). Cytogenetic location: 1q43.
Variant type: single nucleotide variant.
Coding change: c.3890C>G on transcript NM_001035.3 (MANE Select); coding-DNA position 3890, C replaced by G.
Protein change: p.Thr1297Ser; replaces threonine 1297 with serine.
Molecular consequence: missense variant.
Genome position (GRCh38, 1-based): chr1:237,590,722, C>G. VCF-style: chr1-237590722-C-G. GRCh37 (hg19) VCF-style: chr1-237754022-C-G.
Other names: short protein forms T1297S.
Identifiers: ClinVar variation 849919 (VCV000849919.49), dbSNP rs746350036, ClinGen allele CA345397300.